The following is an entry in ClinVar:

NM_025099.6(CTC1):c.2T>A (p.Met1Lys)

Genes: CTC1 (CST telomere replication complex component 1; minus strand), PFAS (phosphoribosylformylglycinamidine synthase; plus strand). Cytogenetic location: 17p13.1.
Variant type: single nucleotide variant.
Coding change: c.2T>A on transcript NM_025099.6 (MANE Select); coding-DNA position 2, T replaced by A.
Protein change: p.Met1Lys; changes the start codon (methionine 1).
Molecular consequence: missense variant, initiator codon variant. On other transcripts: non-coding transcript variant (1).
Genome position (GRCh38, 1-based): chr17:8,248,035, A>T on the plus strand (T>A on the coding strand, the complement: CTC1 is on the minus strand). VCF-style: chr17-8248035-A-T. GRCh37 (hg19) VCF-style: chr17-8151353-A-T.
Other names: short protein forms M1K.
Identifiers: ClinVar variation 1324185 (VCV001324185.11), dbSNP rs1299853886, ClinGen allele CA397999697.

ClinVar aggregate classification (germline): Pathogenic/Likely pathogenic. Review status: criteria provided, multiple submitters, no conflicts (2 of 4 stars). 4 submissions from 4 submitters: Pathogenic (1); Likely pathogenic (3). Last evaluated 2026-05-14.

Conditions:
CTC1-related disorder. Also called: CTC1-related condition.
Dyskeratosis congenita. Identifiers: Orphanet 1775, MedGen C0265965, MONDO:0015780.
Cerebroretinal microangiopathy with calcifications and cysts 1 (CRMCC1). Identifiers: Orphanet 313838, MedGen C4552029, MONDO:0024564, OMIM 612199.

Allele frequency attached by ClinVar (database versions not stated): gnomAD exomes below 0.00001; TOPMed 0.00001.
gnomAD v4.1: 6 of 1,374,300 alleles (0.00044%); highest among the groups gnomAD compares: Non-Finnish European, 0.00049%; no homozygotes.

Submissions (4):

Women's Health and Genetics/Laboratory Corporation of America, LabCorp
Classification: Likely pathogenic for Cerebroretinal microangiopathy with calcifications and cysts 1. Last evaluated: 2026-05-14. Review status: criteria provided, single submitter. Criteria: LabCorp Variant Classification Summary - May 2015. Collection method: clinical testing. Allele origin: germline.
Comment: Variant summary: CTC1 c.2T>A (p.Met1Lys) alters the initiation codon and is predicted to result either in the absence of the protein or the truncation of the encoded protein due to translation initiation at a downstream codon. The next downstream start codon is Met300. A variant upstream of this codon (c.680C>T, p.Ala227Val) has been classified as Pathogenic, suggesting the canonical initiation codon is essential for protein function. The variant allele was found at a frequency of 4.2e-06 in 237678 control chromosomes. To our knowledge, no occurrence of c.2T>A in individuals affected with CTC1-related conditions and no experimental evidence demonstrating its impact on protein function have been reported. ClinVar contains an entry for this variant (Variation ID: 1324185). Based on the evidence outlined above, the variant was classified as likely pathogenic.

Labcorp Genetics (formerly Invitae), Labcorp
Classification: Pathogenic for Dyskeratosis congenita. Last evaluated: 2026-01-18. Review status: criteria provided, single submitter. Criteria: Invitae Variant Classification Sherloc (09022015). Collection method: clinical testing. Allele origin: germline.
Comment: This sequence change affects the initiator codon of the CTC1 mRNA. This change may impact translation initiation or efficiency. The next in-frame methionine is located at codon 300. The frequency data for this variant in the population databases is considered unreliable, as metrics indicate poor data quality at this position in the gnomAD database. This variant has not been reported in the literature in individuals affected with CTC1-related conditions. ClinVar contains an entry for this variant (Variation ID: 1324185). This variant disrupts a region of the CTC1 protein in which other variant(s) (p.Ala227Val) have been determined to be pathogenic (PMID: 22387016, 24115768, 29481669). This suggests that this is a clinically significant region of the protein, and that variants that disrupt it are likely to be disease-causing. For these reasons, this variant has been classified as Pathogenic.

Blueprint Genetics
Classification: Likely pathogenic for CTC1-related disorders. Last evaluated: 2021-04-19. Review status: criteria provided, single submitter. Criteria: ACMG Guidelines, 2015. Collection method: clinical testing. Allele origin: germline. Affected: yes. Observed: 1 variant allele.

Revvity Omics, Revvity
Classification: Likely pathogenic for Cerebroretinal microangiopathy with calcifications and cysts 1. Last evaluated: 2020-03-05. Review status: criteria provided, single submitter. Criteria: ACMG Guidelines, 2015. Collection method: clinical testing. Allele origin: germline.

Literature cited by the submitters: PubMed 22387016 (cited by Labcorp Genetics (formerly Invitae), Labcorp); PubMed 24115768 (cited by Labcorp Genetics (formerly Invitae), Labcorp); PubMed 29481669 (cited by Labcorp Genetics (formerly Invitae), Labcorp).